The following is an entry in ClinVar:

NM_001371986.1(UNC80):c.7871G>A (p.Arg2624His)

Gene: UNC80 (unc-80 homolog, NALCN channel complex subunit; plus strand). Cytogenetic location: 2q34.
Variant type: single nucleotide variant.
Coding change: c.7871G>A on transcript NM_001371986.1 (MANE Select); coding-DNA position 7871, G replaced by A.
Protein change: p.Arg2624His; replaces arginine 2624 with histidine.
Molecular consequence: missense variant.
Genome position (GRCh38, 1-based): chr2:209,967,502, G>A. VCF-style: chr2-209967502-G-A. GRCh37 (hg19) VCF-style: chr2-210832226-G-A.
Other names: c.7673G>A, p.Arg2558His (NM_032504.2); c.7658G>A, p.Arg2553His (NM_182587.4); short protein forms R2558H, R2553H, R2624H.
Identifiers: ClinVar variation 1509990 (VCV001509990.3), dbSNP rs777602239, ClinGen allele CA2083509.

ClinVar aggregate classification (germline): Uncertain significance (1 of 4 stars; one submission).

Allele frequency attached by ClinVar (database versions not stated): gnomAD exomes 0.00002 and 0.00003; TOPMed 0.00002; ExAC 0.00005.
gnomAD v4.1: 37 of 1,551,490 alleles (0.0024%); highest among the groups gnomAD compares: Admixed American, 0.0039%; no homozygotes.

Submission:

Labcorp Genetics (formerly Invitae), Labcorp
Classification: Uncertain significance. Last evaluated: 2022-10-17. Review status: criteria provided, single submitter. Criteria: Invitae Variant Classification Sherloc (09022015). Collection method: clinical testing. Allele origin: germline.
Comment: This sequence change replaces arginine, which is basic and polar, with histidine, which is basic and polar, at codon 2558 of the UNC80 protein (p.Arg2558His). This variant is present in population databases (rs777602239, gnomAD 0.008%). This variant has not been reported in the literature in individuals affected with UNC80-related conditions. ClinVar contains an entry for this variant (Variation ID: 1509990). Advanced modeling of protein sequence and biophysical properties (such as structural, functional, and spatial information, amino acid conservation, physicochemical variation, residue mobility, and thermodynamic stability) performed at Invitae indicates that this missense variant is not expected to disrupt UNC80 protein function. In summary, the available evidence is currently insufficient to determine the role of this variant in disease. Therefore, it has been classified as a Variant of Uncertain Significance.